The following is an entry in ClinVar:

ClinVar aggregate classification (germline): Uncertain significance. Review status: criteria provided, multiple submitters, no conflicts (2 of 4 stars). 5 submissions from 5 submitters: Uncertain significance (4). 1 of the submissions does not count toward it. Last evaluated 2025-10-03.

Conditions:
Inborn genetic diseases. Identifiers: MedGen C0950123, MeSH D030342.
Usher syndrome type 1 (USH1). Also called: RETINITIS PIGMENTOSA AND CONGENITAL DEAFNESS. Identifiers: Orphanet 231169, Orphanet 886, MedGen C1568247, MONDO:0010168, OMIM 276900.

Allele frequency attached by ClinVar (database versions not stated): ExAC 0.00001; gnomAD 0.00001; gnomAD exomes 0.00001; TOPMed 0.00001.
gnomAD v4.1: 16 of 1,613,872 alleles (0.00099%); highest among the groups gnomAD compares: Non-Finnish European, 0.0013%; no homozygotes.

Submissions (5):

Labcorp Genetics (formerly Invitae), Labcorp
Classification: Uncertain significance. Last evaluated: 2025-10-03. Review status: criteria provided, single submitter. Criteria: Invitae Variant Classification Sherloc (09022015). Collection method: clinical testing. Allele origin: germline.
Comment: This sequence change replaces glycine, which is neutral and non-polar, with glutamic acid, which is acidic and polar, at codon 493 of the CDH23 protein (p.Gly493Glu). This variant is present in population databases (rs397517308, gnomAD 0.002%). This variant has not been reported in the literature in individuals affected with CDH23-related conditions. ClinVar contains an entry for this variant (Variation ID: 45874). Invitae Evidence Modeling of protein sequence and biophysical properties (such as structural, functional, and spatial information, amino acid conservation, physicochemical variation, residue mobility, and thermodynamic stability) has been performed for this missense variant. However, the output from this modeling did not meet the statistical confidence thresholds required to predict the impact of this variant on CDH23 protein function. In summary, the available evidence is currently insufficient to determine the role of this variant in disease. Therefore, it has been classified as a Variant of Uncertain Significance.

Ambry Genetics
Classification: Uncertain significance for Inborn genetic diseases. Last evaluated: 2024-06-26. Review status: criteria provided, single submitter. Criteria: Ambry Variant Classification Scheme 2023. Collection method: clinical testing. Allele origin: germline.

Women's Health and Genetics/Laboratory Corporation of America, LabCorp
Classification: Uncertain significance. Last evaluated: 2022-12-02. Review status: criteria provided, single submitter. Criteria: LabCorp Variant Classification Summary - May 2015. Collection method: clinical testing. Allele origin: germline.
Comment: Variant summary: CDH23 c.1478G>A (p.Gly493Glu) results in a non-conservative amino acid change in the encoded protein sequence. Five of five in-silico tools predict a damaging effect of the variant on protein function. The variant allele was found at a frequency of 8e-06 in 249234 control chromosomes. The available data on variant occurrences in the general population are insufficient to allow any conclusion about variant significance. To our knowledge, no occurrence of c.1478G>A in individuals affected with Usher Syndrome and no experimental evidence demonstrating its impact on protein function have been reported. Two clinical diagnostic laboratories have submitted clinical-significance assessments for this variant to ClinVar after 2014 without evidence for independent evaluation and classified the variant as uncertain significance. Based on the evidence outlined above, the variant was classified as uncertain significance.

Laboratory for Molecular Medicine, Mass General Brigham Personalized Medicine
Classification: Uncertain significance. Last evaluated: 2012-09-28. Review status: criteria provided, single submitter. Criteria: LMM Criteria. Collection method: clinical testing. Allele origin: germline. Observed: 3 variant alleles.
Comment: Variant classified as Uncertain Significance - Favor Pathogenic. The Gly493Glu v ariant in CDH23 has not been reported nor previously identified by our laborator y. This variant has not been identified in large and broad European American an d African American populations by the NHLBI Exome Sequencing Project (.). Computational analyses (biochemical amino acid properti es, conservation, AlignGVGD, PolyPhen2, and SIFT) suggest that the Gly493Glu var iant may impact the protein, though this information is not predictive enough to determine pathogenicity. In summary, the clinical significance of this variant cannot be determined with certainty.

Natera, Inc.
Classification: Uncertain significance for Usher syndrome type 1. Last evaluated: 2019-10-28. Review status: no assertion criteria provided. Collection method: clinical testing. Allele origin: germline. Not counted in ClinVar's aggregate classification.

NM_022124.6(CDH23):c.1478G>A (p.Gly493Glu)

Gene: CDH23 (cadherin related 23; plus strand). Cytogenetic location: 10q22.1.
Variant type: single nucleotide variant.
Coding change: c.1478G>A on transcript NM_022124.6 (MANE Select); coding-DNA position 1478, G replaced by A.
Protein change: p.Gly493Glu; replaces glycine 493 with glutamic acid.
Molecular consequence: missense variant.
Genome position (GRCh38, 1-based): chr10:71,675,140, G>A. VCF-style: chr10-71675140-G-A. GRCh37 (hg19) VCF-style: chr10-73434897-G-A.
Other names: c.1478G>A, p.Gly493Glu (NM_001171930.2, NM_001171931.2); short protein forms G493E.
Identifiers: ClinVar variation 45874 (VCV000045874.11), dbSNP rs397517308, ClinGen allele CA137285.